The following is an entry in ClinVar:

ClinVar aggregate classification (germline): Uncertain significance. Review status: criteria provided, multiple submitters, no conflicts (2 of 4 stars). 2 submissions from 2 submitters: Uncertain significance (2). Last evaluated 2025-11-20.

Conditions:
Complex neurodevelopmental disorder. Identifiers: Orphanet 528084, MedGen C5568766, MONDO:0100038.
Long QT syndrome (LQTS). Identifiers: MedGen C0023976, MeSH D008133, MONDO:0002442. Disease mechanism: loss of function. Inheritance: Various modes of inheritance.

Allele frequency attached by ClinVar (database versions not stated): gnomAD exomes 0.00001; ExAC 0.00001.
gnomAD v4.1: 11 of 1,613,820 alleles (0.00068%); highest among the groups gnomAD compares: South Asian, 0.0011%; no homozygotes.

Submissions (2):

Dasa
Classification: Uncertain significance for Complex neurodevelopmental disorder. Last evaluated: 2025-11-20. Review status: criteria provided, single submitter. Criteria: DASA Assertion Criteria. Collection method: clinical testing. Allele origin: germline.
Comment: NM_001148.6(ANK2):c.6812C>T (p.Thr2271Ile) is a missense variant that results in the substitution of threonine with isoleucine. This variant is rare in population databases. Computational prediction algorithms are consistent with a benign effect. The currently available literature and clinical evidence are not sufficient to establish a definitive association between this variant and the reported condition. Therefore, this variant is classified as a variant of uncertain significance.

Labcorp Genetics (formerly Invitae), Labcorp
Classification: Uncertain significance for Long QT syndrome. Last evaluated: 2023-06-09. Review status: criteria provided, single submitter. Criteria: Invitae Variant Classification Sherloc (09022015). Collection method: clinical testing. Allele origin: germline.
Comment: This sequence change replaces threonine, which is neutral and polar, with isoleucine, which is neutral and non-polar, at codon 2271 of the ANK2 protein (p.Thr2271Ile). In summary, the available evidence is currently insufficient to determine the role of this variant in disease. Therefore, it has been classified as a Variant of Uncertain Significance. An algorithm developed to predict the effect of missense changes on protein structure and function (PolyPhen-2) suggests that this variant is likely to be tolerated. This variant has not been reported in the literature in individuals affected with ANK2-related conditions. This variant is present in population databases (rs767516468, gnomAD 0.0009%).

NM_001148.6(ANK2):c.6812C>T (p.Thr2271Ile)

Genes: ANK2 (ankyrin 2; plus strand), LOC126807137 (CDK7 strongly-dependent group 2 enhancer GRCh37_chr4:114276560-114277759; plus strand). Cytogenetic location: 4q26.
Variant type: single nucleotide variant.
Coding change: c.6812C>T on transcript NM_001148.6 (MANE Select); coding-DNA position 6812, C replaced by T.
Protein change: p.Thr2271Ile; replaces threonine 2271 with isoleucine.
Molecular consequence: missense variant. On other transcripts: intron variant (68).
Genome position (GRCh38, 1-based): chr4:113,355,430, C>T. VCF-style: chr4-113355430-C-T. GRCh37 (hg19) VCF-style: chr4-114276586-C-T.
Other names: c.4042+5181C>T (NM_001354277.2, NM_001386157.1); c.4360+5181C>T (NM_001386161.1, NM_001354244.2, NM_001354256.2); c.4285+5181C>T (NM_001354261.2); c.4165+5181C>T (NM_001386156.1, NM_001354257.2); c.4261+5181C>T (NM_001354264.2); c.4240+5181C>T (NM_001354267.2, NM_001386162.1, NM_001354249.2 and 2 more transcripts); c.4141+5181C>T (NM_001354271.2, NM_001386151.1, NM_001354260.2); c.3943+5181C>T (NM_001386158.1); and 35 more; short protein forms T2271I, T1071I, T2310I, T2193I, T2318I.
Identifiers: ClinVar variation 2800584 (VCV002800584.5), dbSNP rs767516468, ClinGen allele CA3051476.